The following is an entry in ClinVar:

NM_020549.5(CHAT):c.238G>C (p.Glu80Gln)

Gene: CHAT (choline O-acetyltransferase; plus strand). Cytogenetic location: 10q11.23.
Variant type: single nucleotide variant.
Coding change: c.238G>C on transcript NM_020549.5 (MANE Select); coding-DNA position 238, G replaced by C.
Protein change: p.Glu80Gln; replaces glutamic acid 80 with glutamine.
Molecular consequence: missense variant. On other transcripts: 5 prime UTR variant (4), intron variant (2).
Genome position (GRCh38, 1-based): chr10:49,614,427, G>C. VCF-style: chr10-49614427-G-C. GRCh37 (hg19) VCF-style: chr10-50822473-G-C.
Other names: c.-117G>C (NM_001142929.2, NM_020985.4); c.-79G>C (NM_001142933.2); c.-187G>C (NM_001142934.2); c.-68-2075G>C (NM_020984.4); c.-69+1225G>C (NM_020986.4); short protein forms E80Q.
Identifiers: ClinVar variation 845904 (VCV000845904.8), dbSNP rs756348058, ClinGen allele CA5497037.

ClinVar aggregate classification (germline): Uncertain significance. Review status: criteria provided, multiple submitters, no conflicts (2 of 4 stars). 2 submissions from 2 submitters: Uncertain significance (2). Last evaluated 2026-02-19.

Conditions:
Familial infantile myasthenia (CMS6). Also called: MYASTHENIC SYNDROME, PRESYNAPTIC, CONGENITAL, ASSOCIATED WITH EPISODIC APNEA; MYASTHENIC SYNDROME, CONGENITAL, 6, PRESYNAPTIC; Congenital myasthenic syndrome type 6. Identifiers: Orphanet 590, MedGen C0393929, MONDO:0009689, OMIM 254210.

Allele frequency attached by ClinVar (database versions not stated): ExAC below 0.00001; gnomAD exomes 0.00001.
gnomAD v4.1: 13 of 1,547,762 alleles (0.00084%); highest among the groups gnomAD compares: Non-Finnish European, 0.0011%; no homozygotes.

Submissions (2):

GeneDx
Classification: Uncertain significance. Last evaluated: 2026-02-19. Review status: criteria provided, single submitter. Criteria: GeneDx Variant Classification Process June 2021. Collection method: clinical testing. Allele origin: germline.
Comment: Not observed at significant frequency in large population cohorts (gnomAD); In silico analysis suggests that this missense variant does not alter protein structure/function; Has not been previously published as pathogenic or benign to our knowledge

Labcorp Genetics (formerly Invitae), Labcorp
Classification: Uncertain significance for Familial infantile myasthenia. Last evaluated: 2022-06-05. Review status: criteria provided, single submitter. Criteria: Invitae Variant Classification Sherloc (09022015). Collection method: clinical testing. Allele origin: germline.
Comment: This sequence change replaces glutamic acid, which is acidic and polar, with glutamine, which is neutral and polar, at codon 80 of the CHAT protein (p.Glu80Gln). This variant is not present in population databases (gnomAD no frequency). This variant has not been reported in the literature in individuals affected with CHAT-related conditions. ClinVar contains an entry for this variant (Variation ID: 845904). Advanced modeling of protein sequence and biophysical properties (such as structural, functional, and spatial information, amino acid conservation, physicochemical variation, residue mobility, and thermodynamic stability) performed at Invitae indicates that this missense variant is not expected to disrupt CHAT protein function. In summary, the available evidence is currently insufficient to determine the role of this variant in disease. Therefore, it has been classified as a Variant of Uncertain Significance.